The following is an entry in ClinVar:

ClinVar aggregate classification (germline): Uncertain significance. Review status: criteria provided, multiple submitters, no conflicts (2 of 4 stars). 2 submissions from 2 submitters: Uncertain significance (2). Last evaluated 2026-03-11.

Conditions:
PLXNA3-related disorder. Also called: PLXNA3-related condition.

Allele frequency attached by ClinVar (database versions not stated): ExAC 0.00003; gnomAD exomes 0.00003; gnomAD 0.00004; TOPMed 0.00005.

Submissions (2):

PreventionGenetics, part of Exact Sciences
Classification: Uncertain significance for PLXNA3-related condition. Last evaluated: 2026-03-11. Review status: criteria provided, single submitter. Criteria: ACMG Guidelines, 2015. Collection method: clinical testing. Allele origin: germline.
Comment: The PLXNA3 c.691G>A variant is predicted to result in the amino acid substitution p.Val231Ile. To our knowledge, this variant has not been reported in the literature. This variant is reported in 0.011% of alleles in individuals of Latino descent in gnomAD, including 3 hemizygotes. Although we suspect that this variant may be benign, the clinical significance of this variant is uncertain at this time due to the absence of conclusive functional and genetic evidence.

Ambry Genetics
Classification: Uncertain significance. Last evaluated: 2023-12-27. Review status: criteria provided, single submitter. Criteria: Ambry Variant Classification Scheme 2023. Collection method: clinical testing. Allele origin: germline.

NM_017514.5(PLXNA3):c.691G>A (p.Val231Ile)

Gene: PLXNA3 (plexin A3; plus strand). Cytogenetic location: Xq28.
Variant type: single nucleotide variant.
Coding change: c.691G>A on transcript NM_017514.5 (MANE Select); coding-DNA position 691, G replaced by A.
Protein change: p.Val231Ile; replaces valine 231 with isoleucine.
Molecular consequence: missense variant.
Genome position (GRCh38, 1-based): chrX:154,461,195, G>A. VCF-style: chrX-154461195-G-A. GRCh37 (hg19) VCF-style: chrX-153689535-G-A.
Other names: short protein forms V231I.
Identifiers: ClinVar variation 3215572 (VCV003215572.3), dbSNP rs782778301, ClinGen allele CA10563786.